The following is an entry in ClinVar:

ClinVar aggregate classification (germline): Conflicting classifications of pathogenicity. Review status: criteria provided, conflicting classifications (1 of 4 stars). 2 submissions from 2 submitters: Uncertain significance (1); Likely benign (1). Last evaluated 2024-10-20.

Conditions:
Inborn genetic diseases. Identifiers: MedGen C0950123, MeSH D030342.

Allele frequency attached by ClinVar (database versions not stated): gnomAD exomes 0.00001; ExAC 0.00002.
gnomAD v4.1: 4 of 1,613,946 alleles (0.00025%); highest among the groups gnomAD compares: Admixed American, 0.0067%; no homozygotes.

Submissions (2):

Ambry Genetics
Classification: Likely benign for Inborn genetic diseases. Last evaluated: 2024-10-20. Review status: criteria provided, single submitter. Criteria: Ambry Variant Classification Scheme 2023. Collection method: clinical testing. Allele origin: germline.

Labcorp Genetics (formerly Invitae), Labcorp
Classification: Uncertain significance. Last evaluated: 2023-10-29. Review status: criteria provided, single submitter. Criteria: Invitae Variant Classification Sherloc (09022015). Collection method: clinical testing. Allele origin: germline.
Comment: This sequence change replaces asparagine, which is neutral and polar, with aspartic acid, which is acidic and polar, at codon 2418 of the KMT2A protein (p.Asn2418Asp). This variant is present in population databases (rs782542236, gnomAD 0.01%). This variant has not been reported in the literature in individuals affected with KMT2A-related conditions. ClinVar contains an entry for this variant (Variation ID: 2102068). Advanced modeling of protein sequence and biophysical properties (such as structural, functional, and spatial information, amino acid conservation, physicochemical variation, residue mobility, and thermodynamic stability) performed at Invitae indicates that this missense variant is not expected to disrupt KMT2A protein function with a negative predictive value of 95%. In summary, the available evidence is currently insufficient to determine the role of this variant in disease. Therefore, it has been classified as a Variant of Uncertain Significance.

NM_001197104.2(KMT2A):c.7252A>G (p.Asn2418Asp)

Gene: KMT2A (lysine methyltransferase 2A; plus strand). Cytogenetic location: 11q23.3.
Variant type: single nucleotide variant.
Coding change: c.7252A>G on transcript NM_001197104.2 (MANE Select); coding-DNA position 7252, A replaced by G.
Protein change: p.Asn2418Asp; replaces asparagine 2418 with aspartic acid.
Molecular consequence: missense variant.
Genome position (GRCh38, 1-based): chr11:118,503,144, A>G. VCF-style: chr11-118503144-A-G. GRCh37 (hg19) VCF-style: chr11-118373859-A-G.
Other names: c.7342A>G, p.Asn2448Asp (NM_001412597.1); c.7243A>G, p.Asn2415Asp (NM_005933.4); short protein forms N2448D, N2415D, N2418D.
Identifiers: ClinVar variation 2102068 (VCV002102068.5), dbSNP rs782542236, ClinGen allele CA6304378.
Genomic context (GRCh38, chr11:118,503,144, plus strand): 5'-GAAGATACTGAAGTCAAAACCTTGAAGCTATCTGGAATGAGCAACAGATCATCCATTATC[A>G]ACGAACATATGGGATCTAGTTCCAGAGATAGGAGACAGAAAGGGAAAAAATCCTGTAAAG-3'
Protein context (NP_001184033.1, residues 2408-2428): SGMSNRSSII[Asn2418Asp]EHMGSSSRDR